The following is an entry in ClinVar:

ClinVar aggregate classification (germline): Uncertain significance (1 of 4 stars; one submission).

Conditions:
Cardiomyopathy (CMYO). Also called: Cardiomyopathies. Identifiers: Orphanet 167848, MedGen C0878544, MONDO:0004994, HP:0001638. Inheritance: Various modes of inheritance.

Submission:

Color Diagnostics, LLC DBA Color Health
Classification: Uncertain significance for Cardiomyopathy. Last evaluated: 2024-03-06. Review status: criteria provided, single submitter. Criteria: ACMG Guidelines, 2015. Collection method: clinical testing. Allele origin: germline.
Comment: This missense variant replaces lysine with asparagine at codon 328 of the DSP protein. Computational prediction suggests that this variant may not impact protein structure and function (internally defined REVEL score threshold <= 0.5, PMID: 27666373). To our knowledge, functional studies have not been reported for this variant. This variant has not been reported in individuals affected with cardiovascular disorders in the literature. This variant has not been identified in the general population by the Genome Aggregation Database (gnomAD). The available evidence is insufficient to determine the role of this variant in disease conclusively. Therefore, this variant is classified as a Variant of Uncertain Significance.

NM_004415.4(DSP):c.984G>C (p.Lys328Asn)

Gene: DSP (desmoplakin; plus strand). Cytogenetic location: 6p24.3.
Variant type: single nucleotide variant.
Coding change: c.984G>C on transcript NM_004415.4 (MANE Select); coding-DNA position 984, G replaced by C.
Protein change: p.Lys328Asn; replaces lysine 328 with asparagine.
Molecular consequence: missense variant.
Genome position (GRCh38, 1-based): chr6:7,566,421, G>C. VCF-style: chr6-7566421-G-C. GRCh37 (hg19) VCF-style: chr6-7566654-G-C.
Other names: c.984G>C, p.Lys328Asn (NM_001008844.3, NM_001319034.2, NM_001406591.1); short protein forms K328N.
Identifiers: ClinVar variation 2775267 (VCV002775267.2), dbSNP rs2113671044, ClinGen allele CA362674843.